The following is an entry in ClinVar:

NM_000051.4(ATM):c.4379C>G (p.Ala1460Gly)

Gene: ATM (ATM serine/threonine kinase; plus strand). Cytogenetic location: 11q22.3.
Variant type: single nucleotide variant.
Coding change: c.4379C>G on transcript NM_000051.4 (MANE Select); coding-DNA position 4379, C replaced by G.
Protein change: p.Ala1460Gly; replaces alanine 1460 with glycine.
Molecular consequence: missense variant.
Genome position (GRCh38, 1-based): chr11:108,289,744, C>G. VCF-style: chr11-108289744-C-G. GRCh37 (hg19) VCF-style: chr11-108160471-C-G.
Other names: c.4379C>G, p.Ala1460Gly (NM_001351834.2); short protein forms A1460G.
Identifiers: ClinVar variation 927799 (VCV000927799.16), dbSNP rs376165779, ClinGen allele CA382532122.

ClinVar aggregate classification (germline): Uncertain significance. Review status: criteria provided, multiple submitters, no conflicts (2 of 4 stars). 4 submissions from 4 submitters: Uncertain significance (4). Last evaluated 2026-03-10.

Conditions:
Hereditary cancer-predisposing syndrome. Also called: Tumor predisposition; Neoplastic Syndromes, Hereditary; Hereditary neoplastic syndrome; Hereditary Cancer Syndrome. Identifiers: Orphanet 140162, MedGen C0027672, MeSH D009386, MONDO:0015356.
Ataxia-telangiectasia syndrome (AT). Also called: Ataxia telangiectasia (A-T); Cerebello-oculocutaneous telangiectasia; Immunodeficiency with ataxia telangiectasia; Ataxia-telangiectasia; Ataxia-telangiectasia, complementation group D; AT, COMPLEMENTATION GROUP C. Identifiers: Orphanet 100, MedGen C0004135, MONDO:0008840, OMIM 208900.

gnomAD v4.1: 7 of 1,613,696 alleles (0.00043%); highest among the groups gnomAD compares: Non-Finnish European, 0.00059%; no homozygotes.

Submissions (4):

Ambry Genetics
Classification: Uncertain significance for Hereditary cancer-predisposing syndrome. Last evaluated: 2026-03-10. Review status: criteria provided, single submitter. Criteria: Ambry Variant Classification Scheme 2023. Collection method: clinical testing. Allele origin: germline.
Comment: The p.A1460G variant (also known as c.4379C>G), located in coding exon 28 of the ATM gene, results from a C to G substitution at nucleotide position 4379. The alanine at codon 1460 is replaced by glycine, an amino acid with similar properties. In an assay testing ATM function, this variant showed a functionally normal result (Lee KS et al. Cell, 2025 Sep;188:5081-5099.e27). This amino acid position is highly conserved in available vertebrate species. In addition, the in silico prediction for this alteration is inconclusive. Based on the available evidence, the clinical significance of this variant remains unclear.

Labcorp Genetics (formerly Invitae), Labcorp
Classification: Uncertain significance for Ataxia-telangiectasia syndrome. Last evaluated: 2025-10-13. Review status: criteria provided, single submitter. Criteria: Invitae Variant Classification Sherloc (09022015). Collection method: clinical testing. Allele origin: germline.
Comment: This sequence change replaces alanine, which is neutral and non-polar, with glycine, which is neutral and non-polar, at codon 1460 of the ATM protein (p.Ala1460Gly). This variant is not present in population databases (gnomAD no frequency). This variant has not been reported in the literature in individuals affected with ATM-related conditions. ClinVar contains an entry for this variant (Variation ID: 927799). Invitae Evidence Modeling of protein sequence and biophysical properties (such as structural, functional, and spatial information, amino acid conservation, physicochemical variation, residue mobility, and thermodynamic stability) indicates that this missense variant is not expected to disrupt ATM protein function with a negative predictive value of 95%. In summary, the available evidence is currently insufficient to determine the role of this variant in disease. Therefore, it has been classified as a Variant of Uncertain Significance.

Blueprint Genetics
Classification: Uncertain significance. Last evaluated: 2024-05-22. Review status: criteria provided, single submitter. Criteria: ACMG Guidelines, 2015. Collection method: clinical testing. Allele origin: germline.

Color Diagnostics, LLC DBA Color Health
Classification: Uncertain significance for Hereditary cancer-predisposing syndrome. Last evaluated: 2024-03-06. Review status: criteria provided, single submitter. Criteria: ACMG Guidelines, 2015. Collection method: clinical testing. Allele origin: germline.
Comment: This missense variant replaces alanine with glycine at codon 1460 of the ATM protein. Computational prediction tool suggests that this variant may not impact protein structure and function (internally defined REVEL score threshold <=0.5, PMID: 27666373). Splice site prediction tools suggest that this variant may not impact RNA splicing. To our knowledge, functional studies have not been performed for this variant. This variant has not been reported in individuals affected with hereditary cancer in the literature. This variant has not been identified in the general population by the Genome Aggregation Database (gnomAD). The available evidence is insufficient to determine the role of this variant in disease conclusively. Therefore, this variant is classified as a Variant of Uncertain Significance.

Literature cited by the submitters: PubMed 40580951 (cited by Ambry Genetics).